The following is an entry in ClinVar:

NM_002047.4(GARS1):c.1432G>A (p.Val478Ile)

Gene: GARS1 (glycyl-tRNA synthetase 1; plus strand). Cytogenetic location: 7p14.3.
Variant type: single nucleotide variant.
Coding change: c.1432G>A on transcript NM_002047.4 (MANE Select); coding-DNA position 1432, G replaced by A.
Protein change: p.Val478Ile; replaces valine 478 with isoleucine.
Molecular consequence: missense variant.
Genome position (GRCh38, 1-based): chr7:30,621,465, G>A. VCF-style: chr7-30621465-G-A. GRCh37 (hg19) VCF-style: chr7-30661081-G-A.
Other names: c.1270G>A, p.Val424Ile (NM_001316772.1); short protein forms V424I, V478I.
Identifiers: ClinVar variation 1680939 (VCV001680939.8), dbSNP rs1238026762, ClinGen allele CA367128264.

ClinVar aggregate classification (germline): Uncertain significance (1 of 4 stars; one submission).

Conditions:
Charcot-Marie-Tooth disease type 2. Also called: Charcot-Marie-Tooth type 2. Identifiers: Orphanet 64746, MedGen C0270914, MONDO:0018993.

Allele frequency attached by ClinVar (database versions not stated): gnomAD 0.00001; TOPMed below 0.00001.
gnomAD v4.1: 5 of 1,614,016 alleles (0.00031%); highest among the groups gnomAD compares: Non-Finnish European, 0.00042%; no homozygotes.

Submission:

Labcorp Genetics (formerly Invitae), Labcorp
Classification: Uncertain significance for Charcot-Marie-Tooth disease type 2. Last evaluated: 2023-07-08. Review status: criteria provided, single submitter. Criteria: Invitae Variant Classification Sherloc (09022015). Collection method: clinical testing. Allele origin: germline.
Comment: This variant is not present in population databases (gnomAD no frequency). This variant has not been reported in the literature in individuals affected with GARS-related conditions. ClinVar contains an entry for this variant (Variation ID: 1680939). Advanced modeling of protein sequence and biophysical properties (such as structural, functional, and spatial information, amino acid conservation, physicochemical variation, residue mobility, and thermodynamic stability) performed at Invitae indicates that this missense variant is not expected to disrupt GARS protein function. In summary, the available evidence is currently insufficient to determine the role of this variant in disease. Therefore, it has been classified as a Variant of Uncertain Significance. This sequence change replaces valine, which is neutral and non-polar, with isoleucine, which is neutral and non-polar, at codon 478 of the GARS protein (p.Val478Ile).